The following is an entry in ClinVar:

ClinVar aggregate classification (germline): Uncertain significance (1 of 4 stars; one submission).

Conditions:
Multiple congenital exostosis (EXT). Also called: Hereditary multiple exostoses; Hereditary multiple exostosis; Multiple osteochondromas; Hereditary multiple osteochondromas; MULTIPLE CARTILAGINOUS EXOSTOSES; Multiple exostoses. Identifiers: Orphanet 321, MedGen C0015306, MONDO:0005508, HP:0002762.

Allele frequency attached by ClinVar (database versions not stated): gnomAD 0.00001; ExAC 0.00008.
gnomAD v4.1: 28 of 1,613,210 alleles (0.0017%); highest among the groups gnomAD compares: Non-Finnish European, 0.0017%; no homozygotes.

Submission:

Labcorp Genetics (formerly Invitae), Labcorp
Classification: Uncertain significance for Multiple congenital exostosis. Last evaluated: 2022-10-08. Review status: criteria provided, single submitter. Criteria: Invitae Variant Classification Sherloc (09022015). Collection method: clinical testing. Allele origin: germline.
Comment: Advanced modeling of protein sequence and biophysical properties (such as structural, functional, and spatial information, amino acid conservation, physicochemical variation, residue mobility, and thermodynamic stability) performed at Invitae indicates that this missense variant is not expected to disrupt EXT1 protein function. This variant has not been reported in the literature in individuals affected with EXT1-related conditions. This variant is present in population databases (rs774546763, gnomAD 0.01%). This sequence change replaces isoleucine, which is neutral and non-polar, with valine, which is neutral and non-polar, at codon 438 of the EXT1 protein (p.Ile438Val). In summary, the available evidence is currently insufficient to determine the role of this variant in disease. Therefore, it has been classified as a Variant of Uncertain Significance.

NM_000127.3(EXT1):c.1312A>G (p.Ile438Val)

Gene: EXT1 (exostosin glycosyltransferase 1; minus strand). Cytogenetic location: 8q24.11.
Variant type: single nucleotide variant.
Coding change: c.1312A>G on transcript NM_000127.3 (MANE Select); coding-DNA position 1312, A replaced by G.
Protein change: p.Ile438Val; replaces isoleucine 438 with valine.
Molecular consequence: missense variant.
Genome position (GRCh38, 1-based): chr8:117,822,570, T>C on the plus strand (A>G on the coding strand, the complement: EXT1 is on the minus strand). VCF-style: chr8-117822570-T-C. GRCh37 (hg19) VCF-style: chr8-118834809-T-C.
Other names: short protein forms I438V.
Identifiers: ClinVar variation 2171820 (VCV002171820.4), dbSNP rs774546763, ClinGen allele CA4854171.